The following is an entry in ClinVar:

NM_001913.5(CUX1):c.1762C>T (p.Arg588Trp)

Gene: CUX1 (cut like homeobox 1; plus strand). Cytogenetic location: 7q22.1.
Variant type: single nucleotide variant.
Coding change: c.1762C>T on transcript NM_001913.5 (MANE Plus Clinical); coding-DNA position 1762, C replaced by T.
Protein change: p.Arg588Trp; replaces arginine 588 with tryptophan.
Molecular consequence: missense variant.
Genome position (GRCh38, 1-based): chr7:102,280,118, C>T. VCF-style: chr7-102280118-C-T. GRCh37 (hg19) VCF-style: chr7-101923410-C-T.
Other names: c.1714C>T, p.Arg572Trp (NM_001202544.3); c.1624C>T, p.Arg542Trp (NM_001202545.3); c.1645C>T, p.Arg549Trp (NM_001202546.3); c.1756C>T, p.Arg586Trp (NM_181500.4); short protein forms R542W, R549W, R572W, R586W, R588W.
Identifiers: ClinVar variation 3234444 (VCV003234444.19), dbSNP rs371285615, ClinGen allele CA4411783.

ClinVar aggregate classification (germline): Uncertain significance (1 of 4 stars; one submission).

Allele frequency attached by ClinVar (database versions not stated): gnomAD exomes 0.00005; ESP Exome Variant Server 0.00008; gnomAD 0.00005; ExAC 0.00006; TOPMed 0.00005.
gnomAD v4.1: 76 of 1,605,254 alleles (0.0047%); highest among the groups gnomAD compares: Middle Eastern, 0.017%; no homozygotes.

Submission:

CeGaT Center for Human Genetics Tuebingen
Classification: Uncertain significance. Last evaluated: 2024-04-01. Review status: criteria provided, single submitter. Criteria: CeGaT Center For Human Genetics Tuebingen Variant Classification Criteria Version 2. Collection method: clinical testing. Allele origin: germline. Affected: yes. Observed: 1 variant allele.
Comment: CUX1: PP2, BP4